The following is an entry in ClinVar:

NM_014915.3(ANKRD26):c.4071_4074del (p.Arg1358_Glu1359insTer)

Gene: ANKRD26 (ankyrin repeat domain 26; minus strand). Cytogenetic location: 10p12.1.
Variant type: Deletion.
Coding change: c.4071_4074del on transcript NM_014915.3 (MANE Select); coding-DNA positions 4071 to 4074, 4 bases deleted (AAGA; older notation c.4071_4074delAAGA).
Protein change: p.Arg1358_Glu1359insTer.
Molecular consequence: frameshift variant.
Genome position (GRCh38, 1-based): chr10:27,024,458-27,024,461, TCTT deleted on the plus strand (AAGA on the coding strand, the reverse complement: ANKRD26 is on the minus strand); deleting any 4 consecutive bases within chr10:27,024,458-27,024,464 gives the same sequence; the c. name uses the placement nearest the transcript's 3' end. VCF-style (leftmost placement, unchanged base first): chr10-27024457-CTCTT-C. GRCh37 (hg19) VCF-style: chr10-27313386-CTCTT-C.
Other names: c.4068_4071del, p.Arg1357_Glu1358insTer (NM_001256053.2).
Identifiers: ClinVar variation 2181762 (VCV002181762.4), dbSNP rs762341895, ClinGen allele CA5447869.

ClinVar aggregate classification (germline): Uncertain significance (1 of 4 stars; one submission).

Submission:

Labcorp Genetics (formerly Invitae), Labcorp
Classification: Uncertain significance. Last evaluated: 2022-02-23. Review status: criteria provided, single submitter. Criteria: Invitae Variant Classification Sherloc (09022015). Collection method: clinical testing. Allele origin: germline.
Comment: This sequence change creates a premature translational stop signal (p.Glu1359*) in the ANKRD26 gene. It is expected to result in an absent or disrupted protein product. However, the current clinical and genetic evidence is not sufficient to establish whether loss-of-function variants in ANKRD26 cause disease. This variant is present in population databases (rs762341895, gnomAD 0.007%). This variant has not been reported in the literature in individuals affected with ANKRD26-related conditions. In summary, the available evidence is currently insufficient to determine the role of this variant in disease. Therefore, it has been classified as a Variant of Uncertain Significance.